The following is an entry in ClinVar:

ClinVar aggregate classification (germline): Likely benign. Review status: criteria provided, multiple submitters, no conflicts (2 of 4 stars). 4 submissions from 4 submitters: Likely benign (3). 1 of the submissions does not count toward it. Last evaluated 2025-11-16.

Conditions:
NPHP3-related disorder. Also called: NPHP3-related disorders; NPHP3-related condition. Identifiers: MedGen CN379163.
Nephronophthisis 3 (NPHP3). Also called: Adolescent nephronophthisis. Identifiers: Orphanet 655, MedGen C1858392, MONDO:0011456, OMIM 604387.
Renal-hepatic-pancreatic dysplasia 1 (RHPD1). Identifiers: MedGen C3715199, MONDO:0008833, OMIM 208540.
NPHP3-related Meckel-like syndrome. Also called: Meckel syndrome type 7; GOLDSTON SYNDROME. Identifiers: Orphanet 3032, MedGen C2673885, MONDO:0009966, OMIM 267010.
Nephronophthisis. Also called: Juvenile Nephronophthisis. Identifiers: Orphanet 655, MedGen C0687120, MONDO:0019005, HP:0000090.

Allele frequency attached by ClinVar (database versions not stated): gnomAD exomes below 0.00001 and 0.00002; gnomAD 0.00001; ExAC 0.00002; TOPMed 0.00002; ESP Exome Variant Server 0.00023.
gnomAD v4.1: 8 of 1,612,534 alleles (0.0005%); highest among the groups gnomAD compares: African/African-American, 0.0013%; no homozygotes.

Submissions (4):

Labcorp Genetics (formerly Invitae), Labcorp
Classification: Likely benign for Nephronophthisis. Last evaluated: 2025-11-16. Review status: criteria provided, single submitter. Criteria: Invitae Variant Classification Sherloc (09022015). Collection method: clinical testing. Allele origin: germline.

Fulgent Genetics
Classification: Likely benign for Renal-hepatic-pancreatic dysplasia 1; NPHP3-related Meckel-like syndrome; Nephronophthisis 3. Last evaluated: 2022-01-20. Review status: criteria provided, single submitter. Criteria: ACMG Guidelines, 2015. Collection method: clinical testing. Allele origin: unknown.

GeneDx
Classification: Likely benign. Last evaluated: 2018-01-02. Review status: criteria provided, single submitter. Criteria: GeneDx Variant Classification (06012015). Collection method: clinical testing. Allele origin: germline. Affected: yes.
Comment: This variant is considered likely benign or benign based on one or more of the following criteria: it is a conservative change, it occurs at a poorly conserved position in the protein, it is predicted to be benign by multiple in silico algorithms, and/or has population frequency not consistent with disease.

PreventionGenetics, part of Exact Sciences
Classification: Likely benign for NPHP3-related condition. Last evaluated: 2022-06-21. Review status: no assertion criteria provided. Collection method: clinical testing. Allele origin: germline. Not counted in ClinVar's aggregate classification.
Comment: This variant is classified as likely benign based on ACMG/AMP sequence variant interpretation guidelines (Richards et al. 2015 PMID: 25741868, with internal and published modifications).

NM_153240.5(NPHP3):c.921A>G (p.Thr307=)

Genes: NPHP3-ACAD11 (NPHP3-ACAD11 readthrough (NMD candidate); minus strand), NPHP3 (nephrocystin 3; minus strand). Cytogenetic location: 3q22.1.
Variant type: single nucleotide variant.
Coding change: c.921A>G on transcript NM_153240.5 (MANE Select); coding-DNA position 921, A replaced by G.
Protein change: p.Thr307=; no amino-acid change (threonine 307 retained).
Molecular consequence: synonymous variant. On other transcripts: non-coding transcript variant (1).
Genome position (GRCh38, 1-based): chr3:132,715,121, T>C on the plus strand (A>G on the coding strand, the complement: NPHP3 is on the minus strand). VCF-style: chr3-132715121-T-C. GRCh37 (hg19) VCF-style: chr3-132433965-T-C.
Identifiers: ClinVar variation 514501 (VCV000514501.14), dbSNP rs368874413, ClinGen allele CA2622467.
Genomic context (GRCh38, chr3:132,715,121, plus strand): 5'-TACAGAATTTATAAATATCCTCACCTTAAGGAAAAGATCCATCTCAGGCTGGGTTTCATC[T>C]GTATAAATGAGGTAACATCTGACAGTGTTACTCCACAGAGAATGTGAAAACAGAGGAGTA-3'
Protein context (NP_694972.3, residues 297-317): SNTVRCYLIY[Thr307=]DETQPEMDLF